The following is an entry in ClinVar:

ClinVar aggregate classification (germline): Uncertain significance (1 of 4 stars; one submission).

Allele frequency attached by ClinVar (database versions not stated): gnomAD exomes below 0.00001.
gnomAD v4.1: 1 of 1,614,160 alleles (0.000062%); highest among the groups gnomAD compares: Non-Finnish European, 0.000085%; no homozygotes.

Submission:

Labcorp Genetics (formerly Invitae), Labcorp
Classification: Uncertain significance. Last evaluated: 2024-02-17. Review status: criteria provided, single submitter. Criteria: Invitae Variant Classification Sherloc (09022015). Collection method: clinical testing. Allele origin: germline.
Comment: This sequence change replaces arginine, which is basic and polar, with glycine, which is neutral and non-polar, at codon 1137 of the KMT2A protein (p.Arg1137Gly). This variant is not present in population databases (gnomAD no frequency). This variant has not been reported in the literature in individuals affected with KMT2A-related conditions. ClinVar contains an entry for this variant (Variation ID: 2133363). Advanced modeling of protein sequence and biophysical properties (such as structural, functional, and spatial information, amino acid conservation, physicochemical variation, residue mobility, and thermodynamic stability) has been performed at Invitae for this missense variant, however the output from this modeling did not meet the statistical confidence thresholds required to predict the impact of this variant on KMT2A protein function. In summary, the available evidence is currently insufficient to determine the role of this variant in disease. Therefore, it has been classified as a Variant of Uncertain Significance.

NM_001197104.2(KMT2A):c.3409A>G (p.Arg1137Gly)

Gene: KMT2A (lysine methyltransferase 2A; plus strand). Cytogenetic location: 11q23.3.
Variant type: single nucleotide variant.
Coding change: c.3409A>G on transcript NM_001197104.2 (MANE Select); coding-DNA position 3409, A replaced by G.
Protein change: p.Arg1137Gly; replaces arginine 1137 with glycine.
Molecular consequence: missense variant.
Genome position (GRCh38, 1-based): chr11:118,478,041, A>G. VCF-style: chr11-118478041-A-G. GRCh37 (hg19) VCF-style: chr11-118348756-A-G.
Other names: c.3508A>G, p.Arg1170Gly (NM_001412597.1); c.3409A>G, p.Arg1137Gly (NM_005933.4); short protein forms R1170G, R1137G.
Identifiers: ClinVar variation 2133363 (VCV002133363.4), dbSNP rs2496840940, ClinGen allele CA382824556.